The following is an entry in ClinVar:

ClinVar aggregate classification (germline): Pathogenic. Review status: criteria provided, multiple submitters, no conflicts (2 of 4 stars). 15 submissions from 15 submitters: Pathogenic (13). 2 of the submissions do not count toward it. Last evaluated 2026-01-19.

Conditions:
BLM-related disorder. Also called: BLM-related condition.
Bloom syndrome (BLM). Also called: Bloom-Torre-Machacek syndrome. Identifiers: Orphanet 125, MedGen C0005859, MONDO:0008876, OMIM 210900.
Hereditary cancer-predisposing syndrome. Also called: Hereditary neoplastic syndrome; Neoplastic Syndromes, Hereditary; Hereditary Cancer Syndrome; Tumor predisposition. Identifiers: Orphanet 140162, MedGen C0027672, MeSH D009386, MONDO:0015356.

Allele frequency attached by ClinVar (database versions not stated): ExAC 0.00004; gnomAD exomes 0.00004 and 0.00010; TOPMed 0.00006; gnomAD 0.00008 and 0.00009; ESP Exome Variant Server 0.00015.
gnomAD v4.1: 159 of 1,613,318 alleles (0.0099%); highest among the groups gnomAD compares: Non-Finnish European, 0.013%; no homozygotes.

Submissions (15):

Labcorp Genetics (formerly Invitae), Labcorp
Classification: Pathogenic for Bloom syndrome. Last evaluated: 2026-01-19. Review status: criteria provided, single submitter. Criteria: Invitae Variant Classification Sherloc (09022015). Collection method: clinical testing. Allele origin: germline.
Comment: This sequence change creates a premature translational stop signal (p.Gln645*) in the BLM gene. It is expected to result in an absent or disrupted protein product. Loss-of-function variants in BLM are known to be pathogenic (PMID: 17407155). This variant is present in population databases (rs373525781, gnomAD 0.009%). This premature translational stop signal has been observed in individual(s) with Bloom syndrome (PMID: 17407155, 28232778). It is commonly reported in individuals of European and North American ancestry (PMID: 17407155). ClinVar contains an entry for this variant (Variation ID: 454091). RNA analysis performed to evaluate the impact of this premature translational stop signal on mRNA splicing indicates it does not significantly alter splicing (internal data). For these reasons, this variant has been classified as Pathogenic.

Myriad Genetics, Inc.
Classification: Pathogenic for Bloom syndrome. Last evaluated: 2025-12-10. Review status: criteria provided, single submitter. Criteria: Myriad Autosomal Dominant, Autosomal Recessive and X-Linked Classification Criteria (2023). Collection method: clinical testing. Allele origin: unknown.
Comment: This variant is considered pathogenic. This variant creates a termination codon and is predicted to result in premature protein truncation.

Natera, Inc.
Classification: Pathogenic for Bloom syndrome. Last evaluated: 2025-12-10. Review status: criteria provided, single submitter. Criteria: Natera Variant Classification Schema (03/2026). Collection method: clinical testing. Allele origin: germline.
Comment: The c.1933C>T variant in BLM is a nonsense variant predicted to introduce a stop codon at amino acid 645. This variant is expected to result in nonsense mediated decay, truncation, or a dysfunctional protein product. This variant is rare in the general population with a frequency below the threshold expected for the associated phenotype(s). This variant has been observed in one or more individuals affected with the associated recessive disease, as either homozygous or compound heterozygous with a second variant (PMID: 29098565). Given the available evidence, this variant is classified as Pathogenic.

PreventionGenetics, part of Exact Sciences
Classification: Pathogenic for BLM-related condition. Last evaluated: 2025-01-29. Review status: criteria provided, single submitter. Criteria: ACMG Guidelines, 2015. Collection method: clinical testing. Allele origin: germline.
Comment: The BLM c.1933C>T variant is predicted to result in premature protein termination (p.Gln645*). This variant has been reported to be causative for Bloom syndrome (German et al. 2007. PubMed ID: 17407155; Renes et al. 2013. PubMed ID: 23928670; Schoenaker et al. 2018. PubMed ID: 29098565). Additionally, this variant was found to co-segregate with breast cancer in one family (Family 3, Thompson et al. 2012. PubMed ID: 23028338), has been associated with colorectal cancer (Dobbins et al. 2016. PubMed ID: 27356891; Supplementary Table S9, Cases 1743 and 3046, AlDubayan et al. 2018. PubMed ID: 29478780) and was identified in a patient with Ewing sarcoma (Brohl et al. 2017. PubMed ID: 28125078). This variant is reported in 0.0093% of alleles in individuals of European (Non-Finnish) descent in gnomAD and is interpreted as pathogenic in ClinVar. Nonsense variants in BLM are expected to be pathogenic. This variant is interpreted as pathogenic.

Baylor Genetics
Classification: Pathogenic for Bloom syndrome. Last evaluated: 2024-02-24. Review status: criteria provided, single submitter. Criteria: ACMG Guidelines, 2015. Collection method: clinical testing. Allele origin: unknown.

Blueprint Genetics
Classification: Pathogenic for BLM-related disorders. Last evaluated: 2024-01-26. Review status: criteria provided, single submitter. Criteria: ACMG Guidelines, 2015. Collection method: clinical testing. Allele origin: germline. Affected: yes. Observed: 5 variant alleles.

Ambry Genetics
Classification: Pathogenic for Hereditary cancer-predisposing syndrome. Last evaluated: 2023-07-18. Review status: criteria provided, single submitter. Criteria: Ambry Variant Classification Scheme 2023. Collection method: clinical testing. Allele origin: germline.
Comment: The p.Q645* pathogenic mutation (also known as c.1933C>T), located in coding exon 7 of the BLM gene, results from a C to T substitution at nucleotide position 1933. This changes the amino acid from a glutamine to a stop codon within coding exon 7. This alteration has been reported in both the homozygous and heterozygous state in multiple patients with Bloom syndrome (German J et al. Hum. Mutat. 2007 Aug;28:743-53; Renes JS et al. J. Clin. Endocrinol. Metab. 2013 Oct;98:3932-8; Schoenaker MHD et al. J. Clin. Immunol., 2018 01;38:35-44). This alteration was also identified in multiple relatives with early onset breast cancer from one family (Thompson ER et al. PLoS Genet. 2012 Sep;8:e1002894). Additionally, this alteration was identified in a patient with Ewing sarcoma and in multiple patients with colorectal cancer (Dobbins SE et al. Fam. Cancer, 2016 10;15:593-9; Brohl AS et al. Genet. Med., 2017 08;19:955-958; AlDubayan SH et al. Am. J. Hum. Genet., 2018 03;102:401-414). In addition to the clinical data presented in the literature, this alteration is expected to result in loss of function by premature protein truncation or nonsense-mediated mRNA decay. As such, this alteration is interpreted as a disease-causing mutation.

GeneDx
Classification: Pathogenic. Last evaluated: 2022-10-17. Review status: criteria provided, single submitter. Criteria: GeneDx Variant Classification Process June 2021. Collection method: clinical testing. Allele origin: germline. Affected: yes.
Comment: Not observed at significant frequency in large population cohorts (gnomAD); Nonsense variant predicted to result in protein truncation or nonsense mediated decay in a gene for which loss-of-function is a known mechanism of disease; Observed in the heterozygous state in individuals with breast, colon, and other cancers (German et al., 2007; Thompson et al., 2012; Dobbins et al., 2016; Brohl et al., 2017; AlDubayan et al., 2018; Huang et al., 2018); This variant is associated with the following publications: (PMID: 25525159, 26689913, 24448499, 31589614, 29478780, 28125078, 29625052, 23028338, 34136918, 32467344, 26247052, 27356891, 32996068, 17407155)

Quest Diagnostics Nichols Institute San Juan Capistrano
Classification: Pathogenic. Last evaluated: 2022-08-08. Review status: criteria provided, single submitter. Criteria: Quest Diagnostics criteria. Collection method: clinical testing. Allele origin: unknown.
Comment: This nonsense variant causes the premature termination of BLM protein synthesis. The frequency of this variant in the general population, 0.000093 (12/128810 chromosomes), is consistent with pathogenicity. In the published literature, the variant has been reported in individuals affected with breast cancer (PMID: 23028338 (2012)), ovarian cancer (PMID: 24448499 (2014), 29625052 (2018)), colorectal cancer (PMID: 27356891 (2016), 29478780 (2018), 29625052 (2018)), Ewing sarcoma (PMID: 28125078 (2017)), and Bloom syndrome with a second pathogenic variant (PMID: 17407155 (2007), 23928670 (2013), 29098565 (2018)). Functional studies also show that this variant fails to suppress a downstream factor that promotes tumorigenesis (PMID: 30044990 (2018)). Based on the available information, this variant is classified as pathogenic.

Fulgent Genetics
Classification: Pathogenic for Bloom syndrome. Last evaluated: 2022-03-30. Review status: criteria provided, single submitter. Criteria: ACMG Guidelines, 2015. Collection method: clinical testing. Allele origin: unknown.

CeGaT Center for Human Genetics Tuebingen
Classification: Pathogenic. Last evaluated: 2021-11-01. Review status: criteria provided, single submitter. Criteria: CeGaT Center For Human Genetics Tuebingen Variant Classification Criteria Version 2. Collection method: clinical testing. Allele origin: germline. Affected: yes. Observed: 2 variant alleles.

Revvity Omics, Revvity
Classification: Pathogenic for Bloom syndrome. Last evaluated: 2019-01-02. Review status: criteria provided, single submitter. Criteria: ACMG Guidelines, 2015. Collection method: clinical testing. Allele origin: germline.

Women's Health and Genetics/Laboratory Corporation of America, LabCorp
Classification: Pathogenic for Bloom syndrome. Last evaluated: 2017-07-27. Review status: criteria provided, single submitter. Criteria: LabCorp Variant Classification Summary - May 2015. Collection method: clinical testing. Allele origin: germline.
Comment: Variant summary: The BLM c.1933C>T (p.Gln645X) variant results in a premature termination codon, predicted to cause a truncated or absent BLM protein due to nonsense mediated decay, which are commonly known mechanisms for disease. Truncations downstream of this position have been classified as pathogenic by our laboratory (e.g. c.2207_2212del6insTAGATTC, p.Tyr736fsX5; c.1968dupG, p.Lys657fsX5). One in silico tool predicts a damaging outcome for this variant. A functional study showed that in two homozygotes with this variant the signal from the mRNA detected in the Bloom Syndrome cell line was less than 20% of the signal detected in the mRNA from a normal cell line (German_2007). This variant was found in 5/124104 control chromosomes at a frequency of 0.0000403, which does not exceed the estimated maximal expected allele frequency of a pathogenic BLM variant (0.0035355). This variant was found in multiple patients with Bloom Syndrome in homozygotes and compound heterozygotes (German_2007). Taken together, this variant is classified as pathogenic.

Clinical Genetics DNA and cytogenetics Diagnostics Lab, Erasmus MC, Erasmus Medical Center
Classification: Pathogenic. Review status: no assertion criteria provided. Collection method: clinical testing. Allele origin: germline. Affected: yes. Study: VKGL Data-share Consensus. Not counted in ClinVar's aggregate classification.

Joint Genome Diagnostic Labs from Nijmegen and Maastricht, Radboudumc and MUMC+
Classification: Pathogenic. Review status: no assertion criteria provided. Collection method: clinical testing. Allele origin: germline. Affected: yes. Study: VKGL Data-share Consensus. Not counted in ClinVar's aggregate classification.

Literature cited by the submitters: PubMed 17407155 (cited by 4 submitters); PubMed 28232778 (cited by Labcorp Genetics (formerly Invitae), Labcorp); PubMed 29098565 (cited by 3 submitters); PubMed 23028338 (cited by Ambry Genetics and Quest Diagnostics Nichols Institute San Juan Capistrano); PubMed 23928670 (cited by Ambry Genetics and Quest Diagnostics Nichols Institute San Juan Capistrano); PubMed 27356891 (cited by 3 submitters); PubMed 28125078 (cited by Ambry Genetics and Quest Diagnostics Nichols Institute San Juan Capistrano); PubMed 29478780 (cited by Ambry Genetics and Quest Diagnostics Nichols Institute San Juan Capistrano); PubMed 29625052 (cited by Quest Diagnostics Nichols Institute San Juan Capistrano); PubMed 24448499 (cited by Quest Diagnostics Nichols Institute San Juan Capistrano); PubMed 30044990 (cited by Quest Diagnostics Nichols Institute San Juan Capistrano); PubMed 25525159 (cited by Women's Health and Genetics/Laboratory Corporation of America, LabCorp).

NM_000057.4(BLM):c.1933C>T (p.Gln645Ter)

Gene: BLM (BLM RecQ like helicase; plus strand). Cytogenetic location: 15q26.1.
Variant type: single nucleotide variant.
Coding change: c.1933C>T on transcript NM_000057.4 (MANE Select); coding-DNA position 1933, C replaced by T.
Protein change: p.Gln645Ter; replaces glutamine 645 with a stop codon.
Molecular consequence: nonsense.
Genome position (GRCh38, 1-based): chr15:90,763,016, C>T. VCF-style: chr15-90763016-C-T. GRCh37 (hg19) VCF-style: chr15-91306246-C-T.
Other names: c.1933C>T, p.Gln645Ter (NM_001287246.2, NM_001287247.2); c.808C>T, p.Gln270Ter (NM_001287248.2); c.1933C>T (LRG_20t1); short protein forms Q645*, Q270*.
Identifiers: ClinVar variation 454091 (VCV000454091.74), dbSNP rs373525781, ClinGen allele CA7738620.